The following is an entry in ClinVar:

NM_004525.3(LRP2):c.9113C>T (p.Thr3038Ile)

Gene: LRP2 (LDL receptor related protein 2; minus strand). Cytogenetic location: 2q31.1.
Variant type: single nucleotide variant.
Coding change: c.9113C>T on transcript NM_004525.3 (MANE Select); coding-DNA position 9113, C replaced by T.
Protein change: p.Thr3038Ile; replaces threonine 3038 with isoleucine.
Molecular consequence: missense variant.
Genome position (GRCh38, 1-based): chr2:169,188,185, G>A on the plus strand (C>T on the coding strand, the complement: LRP2 is on the minus strand). VCF-style: chr2-169188185-G-A. GRCh37 (hg19) VCF-style: chr2-170044695-G-A.
Other names: c.9113C>T (NM_004525.2); short protein forms T3038I.
Identifiers: ClinVar variation 2414870 (VCV002414870.5), dbSNP rs750409984, ClinGen allele CA1953663.

ClinVar aggregate classification (germline): Uncertain significance. Review status: criteria provided, multiple submitters, no conflicts (2 of 4 stars). 3 submissions from 3 submitters: Uncertain significance (3). Last evaluated 2025-04-28.

Conditions:
Inborn genetic diseases. Identifiers: MedGen C0950123, MeSH D030342.

Allele frequency attached by ClinVar (database versions not stated): ExAC 0.00001; gnomAD 0.00003; TOPMed 0.00004.
gnomAD v4.1: 12 of 1,613,976 alleles (0.00074%); highest among the groups gnomAD compares: Admixed American, 0.018%; no homozygotes.

Submissions (3):

Ambry Genetics
Classification: Uncertain significance for Inborn genetic diseases. Last evaluated: 2025-04-28. Review status: criteria provided, single submitter. Criteria: Ambry Variant Classification Scheme 2023. Collection method: clinical testing. Allele origin: germline.

Labcorp Genetics (formerly Invitae), Labcorp
Classification: Uncertain significance. Last evaluated: 2022-04-09. Review status: criteria provided, single submitter. Criteria: Invitae Variant Classification Sherloc (09022015). Collection method: clinical testing. Allele origin: germline.
Comment: This sequence change replaces threonine, which is neutral and polar, with isoleucine, which is neutral and non-polar, at codon 3038 of the LRP2 protein (p.Thr3038Ile). This variant is present in population databases (rs750409984, gnomAD 0.02%). This variant has not been reported in the literature in individuals affected with LRP2-related conditions. Advanced modeling of protein sequence and biophysical properties (such as structural, functional, and spatial information, amino acid conservation, physicochemical variation, residue mobility, and thermodynamic stability) performed at Invitae indicates that this missense variant is expected to disrupt LRP2 protein function. In summary, the available evidence is currently insufficient to determine the role of this variant in disease. Therefore, it has been classified as a Variant of Uncertain Significance.

Blueprint Genetics
Classification: Uncertain significance. Last evaluated: 2022-02-24. Review status: criteria provided, single submitter. Criteria: ACMG Guidelines, 2015. Collection method: clinical testing. Allele origin: germline.